The following is an entry in ClinVar:

ClinVar aggregate classification (germline): Uncertain significance. Review status: criteria provided, multiple submitters, no conflicts (2 of 4 stars). 2 submissions from 2 submitters: Uncertain significance (2). Last evaluated 2025-07-29.

Conditions:
Inborn genetic diseases. Identifiers: MedGen C0950123, MeSH D030342.

Allele frequency attached by ClinVar (database versions not stated): gnomAD 0.00001 and 0.00002; ExAC 0.00002; gnomAD exomes 0.00003; TOPMed 0.00006; ESP Exome Variant Server 0.00008.
gnomAD v4.1: 20 of 1,614,056 alleles (0.0012%); highest among the groups gnomAD compares: Middle Eastern, 0.016%; no homozygotes.

Submissions (2):

Ambry Genetics
Classification: Uncertain significance for Inborn genetic diseases. Last evaluated: 2025-07-29. Review status: criteria provided, single submitter. Criteria: Ambry Variant Classification Scheme 2023. Collection method: clinical testing. Allele origin: germline.

Labcorp Genetics (formerly Invitae), Labcorp
Classification: Uncertain significance. Last evaluated: 2022-04-10. Review status: criteria provided, single submitter. Criteria: Invitae Variant Classification Sherloc (09022015). Collection method: clinical testing. Allele origin: germline.
Comment: This sequence change replaces serine, which is neutral and polar, with asparagine, which is neutral and polar, at codon 1951 of the GPR179 protein (p.Ser1951Asn). This variant is present in population databases (rs373403814, gnomAD 0.006%). This variant has not been reported in the literature in individuals affected with GPR179-related conditions. Algorithms developed to predict the effect of missense changes on protein structure and function output the following: SIFT: "Tolerated"; PolyPhen-2: "Benign"; Align-GVGD: "Class C0". The asparagine amino acid residue is found in multiple mammalian species, which suggests that this missense change does not adversely affect protein function. In summary, the available evidence is currently insufficient to determine the role of this variant in disease. Therefore, it has been classified as a Variant of Uncertain Significance.

NM_001004334.4(GPR179):c.5852G>A (p.Ser1951Asn)

Gene: GPR179 (G protein-coupled receptor 179; minus strand). Cytogenetic location: 17q12.
Variant type: single nucleotide variant.
Coding change: c.5852G>A on transcript NM_001004334.4 (MANE Select); coding-DNA position 5852, G replaced by A.
Protein change: p.Ser1951Asn; replaces serine 1951 with asparagine.
Molecular consequence: missense variant.
Genome position (GRCh38, 1-based): chr17:38,327,717, C>T on the plus strand (G>A on the coding strand, the complement: GPR179 is on the minus strand). VCF-style: chr17-38327717-C-T. GRCh37 (hg19) VCF-style: chr17-36483600-C-T.
Other names: c.5852G>A (NM_001004334.2); short protein forms S1951N.
Identifiers: ClinVar variation 1519633 (VCV001519633.6), dbSNP rs373403814, ClinGen allele CA290103284.